The following is an entry in ClinVar:

ClinVar aggregate classification (germline): Pathogenic (1 of 4 stars; one submission).

Conditions:
Hereditary factor VIII deficiency disease (HEMA). Also called: HEMOPHILIA, CLASSIC; AUTOSOMAL HEMOPHILIA A; Hemophilia A; Hemophilia A, congenital; HEM A; Factor 8 deficiency, congenital. Identifiers: Orphanet 98878, MedGen C0019069, MONDO:0010602, OMIM 306700.

Submission:

Women's Health and Genetics/Laboratory Corporation of America, LabCorp
Classification: Pathogenic for Hereditary factor VIII deficiency disease. Last evaluated: 2024-10-30. Review status: criteria provided, single submitter. Criteria: LabCorp Variant Classification Summary - May 2015. Collection method: clinical testing. Allele origin: germline.
Comment: Variant summary: F8 c.6057C>A (p.Cys2019X) results in a premature termination codon, predicted to cause a truncation of the encoded protein or absence of the protein due to nonsense mediated decay, which are commonly known mechanisms for disease. The variant was absent in 183340 control chromosomes (gnomAD). c.6057C>A has been reported in the literature in individual(s) affected with Factor VIII Deficiency (Hemophilia A) (e.g. Johnsen_2017, Johnsen_2022). To our knowledge, no experimental evidence demonstrating an impact on protein function has been reported. The following publications have been ascertained in the context of this evaluation (PMID: 29296726, 35770352). No submitters have cited clinical-significance assessments for this variant to ClinVar. Based on the evidence outlined above, the variant was classified as pathogenic.

Literature cited by the submitters: PubMed 35770352; PubMed 29296726.

NM_000132.4(F8):c.6057C>A (p.Cys2019Ter)

Gene: F8 (coagulation factor VIII; minus strand). Cytogenetic location: Xq28.
Variant type: single nucleotide variant.
Coding change: c.6057C>A on transcript NM_000132.4 (MANE Select); coding-DNA position 6057, C replaced by A.
Protein change: p.Cys2019Ter; replaces cysteine 2019 with a stop codon.
Molecular consequence: nonsense.
Genome position (GRCh38, 1-based): chrX:154,902,109, G>T on the plus strand (C>A on the coding strand, the complement: F8 is on the minus strand). VCF-style: chrX-154902109-G-T. GRCh37 (hg19) VCF-style: chrX-154130384-G-T.
Other names: short protein forms C2019*.
Identifiers: ClinVar variation 3385215 (VCV003385215.1).